The following is an entry in ClinVar:

ClinVar aggregate classification (germline): Likely benign (1 of 4 stars; one submission).

Submission:

GeneDx
Classification: Likely benign. Last evaluated: 2016-03-24. Review status: criteria provided, single submitter. Criteria: GeneDx Variant Classification (06012015). Collection method: clinical testing. Allele origin: germline. Affected: yes.
Comment: This variant is considered likely benign or benign based on one or more of the following criteria: it is a conservative change, it occurs at a poorly conserved position in the protein, it is predicted to be benign by multiple in silico algorithms, and/or has population frequency not consistent with disease.

NM_001080449.3(DNA2):c.2697+13_2697+17delinsTT

Gene: DNA2 (DNA replication helicase/nuclease 2; minus strand). Cytogenetic location: 10q21.3.
Variant type: Indel.
Coding change: c.2697+13_2697+17delinsTT on transcript NM_001080449.3 (MANE Select); bases 13 to 17 of the intron after coding-DNA position 2697, ATTTC replaced by TT.
Molecular consequence: intron variant.
Genome position (GRCh38, 1-based): chr10:68,422,208-68,422,212, GAAAT replaced by AA on the plus strand (ATTTC replaced by TT on the coding strand, the reverse complement: DNA2 is on the minus strand). VCF-style: chr10-68422208-GAAAT-AA. GRCh37 (hg19) VCF-style: chr10-70181965-GAAAT-AA.
Identifiers: ClinVar variation 420645 (VCV000420645.1), dbSNP rs1064794608, ClinGen allele CA16618967.